The following is an entry in ClinVar:

ClinVar aggregate classification (germline): Uncertain significance. Review status: criteria provided, multiple submitters, no conflicts (2 of 4 stars). 2 submissions from 2 submitters: Uncertain significance (2). Last evaluated 2025-06-10.

Allele frequency attached by ClinVar (database versions not stated): gnomAD 0.00001; TOPMed 0.00002.
gnomAD v4.1: 18 of 1,614,120 alleles (0.0011%); highest among the groups gnomAD compares: Non-Finnish European, 0.0015%; no homozygotes.

Submissions (2):

Labcorp Genetics (formerly Invitae), Labcorp
Classification: Uncertain significance. Last evaluated: 2025-06-10. Review status: criteria provided, single submitter. Criteria: Invitae Variant Classification Sherloc (09022015). Collection method: clinical testing. Allele origin: germline.
Comment: This sequence change replaces glycine, which is neutral and non-polar, with glutamic acid, which is acidic and polar, at codon 183 of the MMP9 protein (p.Gly183Glu). This variant is present in population databases (rs201932479, gnomAD 0.004%). This variant has not been reported in the literature in individuals affected with MMP9-related conditions. ClinVar contains an entry for this variant (Variation ID: 1010195). Invitae Evidence Modeling of protein sequence and biophysical properties (such as structural, functional, and spatial information, amino acid conservation, physicochemical variation, residue mobility, and thermodynamic stability) indicates that this missense variant is expected to disrupt MMP9 protein function with a positive predictive value of 80%. In summary, the available evidence is currently insufficient to determine the role of this variant in disease. Therefore, it has been classified as a Variant of Uncertain Significance.

Ambry Genetics
Classification: Uncertain significance. Last evaluated: 2024-03-08. Review status: criteria provided, single submitter. Criteria: Ambry Variant Classification Scheme 2023. Collection method: clinical testing. Allele origin: germline.

NM_004994.3(MMP9):c.548G>A (p.Gly183Glu)

Gene: MMP9 (matrix metallopeptidase 9; plus strand). Cytogenetic location: 20q13.12.
Variant type: single nucleotide variant.
Coding change: c.548G>A on transcript NM_004994.3 (MANE Select); coding-DNA position 548, G replaced by A.
Protein change: p.Gly183Glu; replaces glycine 183 with glutamic acid.
Molecular consequence: missense variant.
Genome position (GRCh38, 1-based): chr20:46,010,949, G>A. VCF-style: chr20-46010949-G-A. GRCh37 (hg19) VCF-style: chr20-44639588-G-A.
Other names: c.548G>A (NM_004994.2); short protein forms G183E.
Identifiers: ClinVar variation 1010195 (VCV001010195.9), dbSNP rs201932479, ClinGen allele CA9886436.